The following is an entry in ClinVar:

NM_000214.3(JAG1):c.394T>A (p.Tyr132Asn)

Gene: JAG1 (jagged canonical Notch ligand 1; minus strand). Cytogenetic location: 20p12.2.
Variant type: single nucleotide variant.
Coding change: c.394T>A on transcript NM_000214.3 (MANE Select); coding-DNA position 394, T replaced by A.
Protein change: p.Tyr132Asn; replaces tyrosine 132 with asparagine.
Molecular consequence: missense variant.
Genome position (GRCh38, 1-based): chr20:10,664,008, A>T on the plus strand (T>A on the coding strand, the complement: JAG1 is on the minus strand). VCF-style: chr20-10664008-A-T. GRCh37 (hg19) VCF-style: chr20-10644656-A-T.
Other names: short protein forms Y132N.
Identifiers: ClinVar variation 3573454 (VCV003573454.2).

Conditions:
Arteriohepatic dysplasia. Also called: Alagille Syndrome. Identifiers: Orphanet 52, MedGen C0085280, MeSH D016738, MONDO:0007318.

Submission:

Gilbert/Spinner Lab, Children's Hospital of Philadelphia
No classification provided (evidence only). Condition: Alagille syndrome. Review status: no classification provided. Collection method: research. Allele origin: not applicable. Functional consequence: functionally_abnormal.
ClinVar note: "not provided" was previously submitted as the classification for the variant. However, the classification appeared to be based only on an observation of functional data so it was converted to no classification on 2025-07-30.